The following is an entry in ClinVar:

NM_001374504.1(TMPRSS6):c.359C>T (p.Thr120Ile)

Gene: TMPRSS6 (transmembrane serine protease 6; minus strand). Cytogenetic location: 22q12.3.
Variant type: single nucleotide variant.
Coding change: c.359C>T on transcript NM_001374504.1 (MANE Select); coding-DNA position 359, C replaced by T.
Protein change: p.Thr120Ile; replaces threonine 120 with isoleucine.
Molecular consequence: missense variant.
Genome position (GRCh38, 1-based): chr22:37,096,693, G>A on the plus strand (C>T on the coding strand, the complement: TMPRSS6 is on the minus strand). VCF-style: chr22-37096693-G-A. GRCh37 (hg19) VCF-style: chr22-37492733-G-A.
Other names: p.Thr129Ile; c.359C>T, p.Thr120Ile (NM_001289000.2, NM_001289001.2, NM_153609.4); c.386C>T (NM_153609.3); short protein forms T120I.
Identifiers: ClinVar variation 2045663 (VCV002045663.7), dbSNP rs143244650, ClinGen allele CA10216099.
Genomic context (GRCh38, chr22:37,096,693, plus strand): 5'-GCAAGGACAACTCACCCAAAGGAATAGACGGAGCTGGAGTTGTAGTAAGTTCCCAGGCGG[G>A]TGCTGGTGATGAGCTCCTTGAGCTGTGAGAAGGGAAGACAACAGCCCCTGGGACCCTCTG-3'
Protein context (NP_001361433.1, residues 110-130): QKMLKELITS[Thr120Ile]RLGTYYNSSS

ClinVar aggregate classification (germline): Conflicting classifications of pathogenicity. Review status: criteria provided, conflicting classifications (1 of 4 stars). 3 submissions from 3 submitters: Uncertain significance (1); Likely benign (1). 1 of the submissions does not count toward it. Last evaluated 2025-08-04.

Conditions:
TMPRSS6-related disorder. Also called: TMPRSS6-related condition.

Allele frequency attached by ClinVar (database versions not stated): gnomAD exomes 0.00010; 1000 Genomes Project 30x 0.00031; 1000 Genomes Project 0.00040; ExAC 0.00045; gnomAD 0.00076; TOPMed 0.00088; ESP Exome Variant Server 0.00123.
gnomAD v4.1: 267 of 1,566,492 alleles (0.017%); highest among the groups gnomAD compares: African/African-American, 0.3%; 1 homozygote.

Submissions (3):

Labcorp Genetics (formerly Invitae), Labcorp
Classification: Likely benign. Last evaluated: 2025-08-04. Review status: criteria provided, single submitter. Criteria: Invitae Variant Classification Sherloc (09022015). Collection method: clinical testing. Allele origin: germline.

Mayo Clinic Laboratories, Mayo Clinic
Classification: Uncertain significance. Last evaluated: 2024-08-19. Review status: criteria provided, single submitter. Criteria: ACMG Guidelines, 2015. Collection method: clinical testing. Allele origin: germline. Observed: 1 variant allele.

PreventionGenetics, part of Exact Sciences
Classification: Likely benign for TMPRSS6-related condition. Last evaluated: 2024-02-06. Review status: no assertion criteria provided. Collection method: clinical testing. Allele origin: germline. Not counted in ClinVar's aggregate classification.
Comment: This variant is classified as likely benign based on ACMG/AMP sequence variant interpretation guidelines (Richards et al. 2015 PMID: 25741868, with internal and published modifications).